The following is an entry in ClinVar:

NM_138927.4(SON):c.4865_4869del (p.Ser1621_Leu1622insTer)

Gene: SON (SON DNA and RNA binding protein; plus strand). Cytogenetic location: 21q22.11.
Variant type: Deletion.
Coding change: c.4865_4869del on transcript NM_138927.4 (MANE Select); coding-DNA positions 4865 to 4869, 5 bases deleted (TAGTT; older notation c.4865_4869delTAGTT).
Protein change: p.Ser1621_Leu1622insTer.
Molecular consequence: nonsense. On other transcripts: non-coding transcript variant (1), intron variant (1).
Genome position (GRCh38, 1-based): chr21:33,554,096-33,554,100, TAGTT deleted; deleting any 5 consecutive bases within chr21:33,554,092-33,554,100 gives the same sequence; the c. name uses the placement nearest the transcript's 3' end. VCF-style (leftmost placement, unchanged base first): chr21-33554091-CAGTTT-C. GRCh37 (hg19) VCF-style: chr21-34926397-CAGTTT-C.
Other names: c.4865_4869del, p.Ser1621_Leu1622insTer (NM_001291411.2, NM_032195.3); c.245-3060_245-3056del (NM_001291412.3); c.4865_4869delTAGTT (NM_032195.2); c.4865_4869del (NM_138927.2).
Identifiers: ClinVar variation 430335 (VCV000430335.3), dbSNP rs1131691911, ClinGen allele CA645369789.

ClinVar aggregate classification (germline): Pathogenic (1 of 4 stars; one submission).

Submission:

GeneDx
Classification: Pathogenic. Last evaluated: 2026-09-12. Review status: criteria provided, single submitter. Criteria: GeneDx Variant Classification Process June 2021. Collection method: clinical testing. Allele origin: germline.
Comment: Nonsense variant predicted to result in protein truncation or nonsense mediated decay in a gene for which loss of function is a known mechanism of disease; Not observed at significant frequency in large population cohorts (gnomAD); Has not been previously published as pathogenic or benign to our knowledge